The following is an entry in ClinVar:

NM_001374736.1(DST):c.21814G>C (p.Val7272Leu)

Gene: DST (dystonin; minus strand). Cytogenetic location: 6p12.1.
Variant type: single nucleotide variant.
Coding change: c.21814G>C on transcript NM_001374736.1 (MANE Select); coding-DNA position 21814, G replaced by C.
Protein change: p.Val7272Leu; replaces valine 7272 with leucine.
Molecular consequence: missense variant.
Genome position (GRCh38, 1-based): chr6:56,476,199, C>G on the plus strand (G>C on the coding strand, the complement: DST is on the minus strand). VCF-style: chr6-56476199-C-G. GRCh37 (hg19) VCF-style: chr6-56340997-C-G.
Other names: c.15457G>C, p.Val5153Leu (NM_001144769.5); c.15043G>C, p.Val5015Leu (NM_001144770.2); c.21814G>C, p.Val7272Leu (NM_001374722.1); c.20854G>C, p.Val6952Leu (NM_001374729.1); c.14596G>C, p.Val4866Leu (NM_001374730.1); c.21841G>C, p.Val7281Leu (NM_001374734.1); c.14923G>C, p.Val4975Leu (NM_001386100.1, NM_183380.4); c.13945G>C, p.Val4649Leu (NM_015548.5); short protein forms V4649L, V5015L, V7272L, V4866L, V6952L, V7281L, V4975L, V5153L.
Identifiers: ClinVar variation 1434679 (VCV001434679.6), dbSNP rs767613702, ClinGen allele CA364510198.
Genomic context (GRCh38, chr6:56,476,199, plus strand): 5'-TTTATTTTACCTGGTGTTCTGCAATGAGTGCTTTCACCTCTTCGATCTCCTGGGGGATGA[C>G]TTCTTTATCCTTATCAGTAAGTGTAGTTTCAGCCCATTGCAACCAAGCCAGCAAAGCTTC-3'
Protein context (NP_001361665.1, residues 7262-7282): ETTLTDKDKE[Val7272Leu]IPQEIEEVKA

ClinVar aggregate classification (germline): Uncertain significance (1 of 4 stars; one submission).

Conditions:
Hereditary sensory and autonomic neuropathy type 6. Also called: HSAN VI; Neuropathy, hereditary sensory and autonomic, type VI. Identifiers: Orphanet 314381, MedGen C3539003, MONDO:0013839, OMIM 614653.
Epidermolysis bullosa simplex 3, localized or generalized intermediate, with BP230 deficiency (EBS3). Also called: Epidermolysis bullosa simplex, autosomal recessive 2; Epidermolysis bullosa simplex due to BP230 deficiency. Identifiers: Orphanet 412181, MedGen C3809470, MONDO:0014180, OMIM 615425.

gnomAD v4.1: 5 of 1,612,884 alleles (0.00031%); highest among the groups gnomAD compares: Non-Finnish European, 0.00042%; no homozygotes.

Submission:

Labcorp Genetics (formerly Invitae), Labcorp
Classification: Uncertain significance for Epidermolysis bullosa simplex 3, localized or generalized intermediate, with BP230 deficiency; Hereditary sensory and autonomic neuropathy type 6. Last evaluated: 2021-10-06. Review status: criteria provided, single submitter. Criteria: Invitae Variant Classification Sherloc (09022015). Collection method: clinical testing. Allele origin: germline.
Comment: Experimental studies and prediction algorithms are not available or were not evaluated, and the functional significance of this variant is currently unknown. This variant has not been reported in the literature in individuals affected with DST-related conditions. This variant is not present in population databases (ExAC no frequency). This sequence change replaces valine with leucine at codon 4649 of the DST protein (p.Val4649Leu). The DST gene has multiple clinically relevant transcripts. This variant occurs in alternate transcript NM_015548.4, and corresponds to NM_001723.5:c.*139318G>C in the primary transcript. In summary, the available evidence is currently insufficient to determine the role of this variant in disease. Therefore, it has been classified as a Variant of Uncertain Significance.